The following is an entry in ClinVar:

ClinVar aggregate classification (germline): Uncertain significance (1 of 4 stars; one submission).

gnomAD v4.1: 1 of 1,613,966 alleles (0.000062%); highest among the groups gnomAD compares: Admixed American, 0.0017%; no homozygotes.

Submission:

Labcorp Genetics (formerly Invitae), Labcorp
Classification: Uncertain significance. Last evaluated: 2022-06-29. Review status: criteria provided, single submitter. Criteria: Invitae Variant Classification Sherloc (09022015). Collection method: clinical testing. Allele origin: germline.
Comment: In summary, the available evidence is currently insufficient to determine the role of this variant in disease. Therefore, it has been classified as a Variant of Uncertain Significance. Algorithms developed to predict the effect of missense changes on protein structure and function are either unavailable or do not agree on the potential impact of this missense change (SIFT: "Deleterious"; PolyPhen-2: "Probably Damaging"; Align-GVGD: "Class C0"). This variant has not been reported in the literature in individuals affected with ADGRV1-related conditions. This variant is present in population databases (no rsID available, gnomAD 0.003%). This sequence change replaces proline, which is neutral and non-polar, with arginine, which is basic and polar, at codon 2558 of the ADGRV1 protein (p.Pro2558Arg).

NM_032119.4(ADGRV1):c.7673C>G (p.Pro2558Arg)

Gene: ADGRV1 (adhesion G protein-coupled receptor V1; plus strand). Cytogenetic location: 5q14.3.
Variant type: single nucleotide variant.
Coding change: c.7673C>G on transcript NM_032119.4 (MANE Select); coding-DNA position 7673, C replaced by G.
Protein change: p.Pro2558Arg; replaces proline 2558 with arginine.
Molecular consequence: missense variant. On other transcripts: non-coding transcript variant (1).
Genome position (GRCh38, 1-based): chr5:90,694,429, C>G. VCF-style: chr5-90694429-C-G. GRCh37 (hg19) VCF-style: chr5-89990246-C-G.
Other names: short protein forms P2558R.
Identifiers: ClinVar variation 1964286 (VCV001964286.5), dbSNP rs764379494, ClinGen allele CA360380381.
Genomic context (GRCh38, chr5:90,694,429, plus strand): 5'-TTCTAATTTCTCTCCTTGAAGTTCACCTCATGAACATTTCAGCCAGTTTGAAAAATCAGC[C>G]AACCATAGGACAGCCAAATATTTCTACAGTTGTCATAGCACTAAATGGTGATGCCTTTGG-3'
Protein context (NP_115495.3, residues 2548-2568): MNISASLKNQ[Pro2558Arg]TIGQPNISTV